The following is an entry in ClinVar:

NM_198428.3(BBS9):c.1985T>G (p.Leu662Ter)

Gene: BBS9 (Bardet-Biedl syndrome 9; plus strand). Cytogenetic location: 7p14.3.
Variant type: single nucleotide variant.
Coding change: c.1985T>G on transcript NM_198428.3 (MANE Select); coding-DNA position 1985, T replaced by G.
Protein change: p.Leu662Ter; replaces leucine 662 with a stop codon.
Molecular consequence: nonsense. On other transcripts: non-coding transcript variant (3).
Genome position (GRCh38, 1-based): chr7:33,388,014, T>G. VCF-style: chr7-33388014-T-G. GRCh37 (hg19) VCF-style: chr7-33427626-T-G.
Other names: c.1880T>G, p.Leu627Ter (NM_001033604.2); c.1970T>G, p.Leu657Ter (NM_001033605.2); c.1985T>G, p.Leu662Ter (NM_001348036.1, NM_001348041.4, NM_001348043.3 and 1 more transcripts); c.1619T>G, p.Leu540Ter (NM_001348037.3, NM_001348045.3, NM_001348046.3); c.1712T>G, p.Leu571Ter (NM_001348038.3); c.1607T>G, p.Leu536Ter (NM_001348039.3); c.1865T>G, p.Leu622Ter (NM_001348040.3, NM_014451.4); c.1850T>G, p.Leu617Ter (NM_001348042.3); and 1 more; short protein forms L505*, L536*, L540*, L571*, L617*, L622*, L627*, L657*.
Identifiers: ClinVar variation 4807225 (VCV004807225.3).

ClinVar aggregate classification (germline): Pathogenic/Likely pathogenic. Review status: criteria provided, multiple submitters, no conflicts (2 of 4 stars). 2 submissions from 2 submitters: Pathogenic (1); Likely pathogenic (1). Last evaluated 2025-06-20.

Conditions:
Bardet-Biedl syndrome (BBS). Identifiers: Orphanet 110, MedGen C0752166, MONDO:0015229.

Submissions (2):

Labcorp Genetics (formerly Invitae), Labcorp
Classification: Pathogenic for Bardet-Biedl syndrome. Last evaluated: 2025-06-20. Review status: criteria provided, single submitter. Criteria: Invitae Variant Classification Sherloc (09022015). Collection method: clinical testing. Allele origin: germline.
Comment: This sequence change creates a premature translational stop signal (p.Leu662*) in the BBS9 gene. It is expected to result in an absent or disrupted protein product. Loss-of-function variants in BBS9 are known to be pathogenic (PMID: 16380913, 20177705). This variant is not present in population databases (gnomAD no frequency). This variant has not been reported in the literature in individuals affected with BBS9-related conditions. For these reasons, this variant has been classified as Pathogenic.

Dasa
Classification: Likely pathogenic. Last evaluated: 2024-08-15. Review status: criteria provided, single submitter. Criteria: DASA Assertion Criteria. Collection method: clinical testing. Allele origin: germline.
Comment: NM_198428.3(BBS9):c.1985T>G (p.Leu662*) is a nonsense variant in BBS9 predicted to introduce a premature termination codon and is predicted to result in an absent or altered protein product. Loss of function is an established disease mechanism for BBS9-associated disorders. Also, this variant is absent from population databases. Based on the currently available evidence, this variant is classified as likely pathogenic.

Literature cited by the submitters: PubMed 16380913 (cited by Labcorp Genetics (formerly Invitae), Labcorp); PubMed 20177705 (cited by Labcorp Genetics (formerly Invitae), Labcorp).